The following is an entry in ClinVar:

NM_002878.4(RAD51D):c.263+9G>A

Genes: RAD51L3-RFFL (RAD51L3-RFFL readthrough; minus strand), RAD51D (RAD51 paralog D; minus strand). Cytogenetic location: 17q12.
Variant type: single nucleotide variant.
Coding change: c.263+9G>A on transcript NM_002878.4 (MANE Select); 9 bases into the intron after coding-DNA position 263, G replaced by A.
Molecular consequence: intron variant.
Genome position (GRCh38, 1-based): chr17:35,118,492, C>T on the plus strand (G>A on the coding strand, the complement: RAD51D is on the minus strand). VCF-style: chr17-35118492-C-T. GRCh37 (hg19) VCF-style: chr17-33445511-C-T.
Other names: c.144+619G>A (NM_133629.3, NM_001142571.2).
Identifiers: ClinVar variation 2760326 (VCV002760326.4), dbSNP rs887322398, ClinGen allele CA625550542.

ClinVar aggregate classification (germline): Likely benign. Review status: criteria provided, multiple submitters, no conflicts (2 of 4 stars). 2 submissions from 2 submitters: Likely benign (2). Last evaluated 2025-02-20.

Conditions:
Breast-ovarian cancer, familial, susceptibility to, 4. Identifiers: Orphanet 145, MedGen C3280345, MONDO:0013669, OMIM 614291.

Allele frequency attached by ClinVar (database versions not stated): gnomAD exomes below 0.00001.
gnomAD v4.1: 1 of 1,610,920 alleles (0.000062%); highest among the groups gnomAD compares: Non-Finnish European, 0.000085%; no homozygotes.

Submissions (2):

Myriad Genetics, Inc.
Classification: Likely benign for Breast-ovarian cancer, familial, susceptibility to, 4. Last evaluated: 2025-02-20. Review status: criteria provided, single submitter. Criteria: Myriad Autosomal Dominant, Autosomal Recessive and X-Linked Classification Criteria (2023). Collection method: clinical testing. Allele origin: unknown.
Comment: This variant is considered likely benign. This variant is intronic and is not expected to impact mRNA splicing.

Labcorp Genetics (formerly Invitae), Labcorp
Classification: Likely benign for Breast-ovarian cancer, familial, susceptibility to, 4. Last evaluated: 2024-05-13. Review status: criteria provided, single submitter. Criteria: Invitae Variant Classification Sherloc (09022015). Collection method: clinical testing. Allele origin: germline.